The following is an entry in ClinVar:

NM_139137.4(KCNC2):c.343C>A (p.Leu115Ile)

Gene: KCNC2 (potassium voltage-gated channel subfamily C member 2; minus strand). Cytogenetic location: 12q21.1.
Variant type: single nucleotide variant.
Coding change: c.343C>A on transcript NM_139137.4 (MANE Select); coding-DNA position 343, C replaced by A.
Protein change: p.Leu115Ile; replaces leucine 115 with isoleucine.
Molecular consequence: missense variant. On other transcripts: non-coding transcript variant (2).
Genome position (GRCh38, 1-based): chr12:75,207,641, G>T on the plus strand (C>A on the coding strand, the complement: KCNC2 is on the minus strand). VCF-style: chr12-75207641-G-T. GRCh37 (hg19) VCF-style: chr12-75601421-G-T.
Other names: c.343C>A, p.Leu115Ile (NM_001260497.2, NM_001260498.2, NM_001260499.2 and 13 more transcripts); short protein forms L115I.
Identifiers: ClinVar variation 3370002 (VCV003370002.1).

ClinVar aggregate classification (germline): Uncertain significance (1 of 4 stars; one submission).

Submission:

GeneDx
Classification: Uncertain significance. Last evaluated: 2023-12-22. Review status: criteria provided, single submitter. Criteria: GeneDx Variant Classification Process June 2021. Collection method: clinical testing. Allele origin: germline. Affected: yes.
Comment: Not observed at significant frequency in large population cohorts (gnomAD); In silico analysis supports that this missense variant does not alter protein structure/function; Has not been previously published as pathogenic or benign to our knowledge